The following is an entry in ClinVar:

NM_001330677.2(TBX15):c.1435T>C (p.Tyr479His)

Gene: TBX15 (T-box transcription factor 15; minus strand). Cytogenetic location: 1p12.
Variant type: single nucleotide variant.
Coding change: c.1435T>C on transcript NM_001330677.2 (MANE Select); coding-DNA position 1435, T replaced by C.
Protein change: p.Tyr479His; replaces tyrosine 479 with histidine.
Molecular consequence: missense variant.
Genome position (GRCh38, 1-based): chr1:118,885,106, A>G on the plus strand (T>C on the coding strand, the complement: TBX15 is on the minus strand). VCF-style: chr1-118885106-A-G. GRCh37 (hg19) VCF-style: chr1-119427729-A-G.
Other names: c.1117T>C, p.Tyr373His (NM_152380.3); short protein forms Y479H, Y373H.
Identifiers: ClinVar variation 1997415 (VCV001997415.4), dbSNP rs2525941709, ClinGen allele CA341432522.

ClinVar aggregate classification (germline): Uncertain significance (1 of 4 stars; one submission).

Allele frequency attached by ClinVar (database versions not stated): gnomAD exomes below 0.00001.
gnomAD v4.1: 1 of 1,614,150 alleles (0.000062%); highest among the groups gnomAD compares: Non-Finnish European, 0.000085%; no homozygotes.

Submission:

Labcorp Genetics (formerly Invitae), Labcorp
Classification: Uncertain significance. Last evaluated: 2023-08-17. Review status: criteria provided, single submitter. Criteria: Invitae Variant Classification Sherloc (09022015). Collection method: clinical testing. Allele origin: germline.
Comment: This sequence change replaces tyrosine, which is neutral and polar, with histidine, which is basic and polar, at codon 373 of the TBX15 protein (p.Tyr373His). This variant is not present in population databases (gnomAD no frequency). In summary, the available evidence is currently insufficient to determine the role of this variant in disease. Therefore, it has been classified as a Variant of Uncertain Significance. This variant has not been reported in the literature in individuals affected with TBX15-related conditions. ClinVar contains an entry for this variant (Variation ID: 1997415). Advanced modeling of protein sequence and biophysical properties (such as structural, functional, and spatial information, amino acid conservation, physicochemical variation, residue mobility, and thermodynamic stability) performed at Invitae indicates that this missense variant is not expected to disrupt TBX15 protein function.